The following is an entry in ClinVar:

ClinVar aggregate classification (germline): Uncertain significance (1 of 4 stars; one submission).

Conditions:
Idiopathic generalized epilepsy. Also called: Generalised epilepsy; EIG. Identifiers: MedGen C0270850, MONDO:0005579, OMIM 600669.
Hyperaldosteronism, familial, type IV (HALD4). Also called: FH IV; ALDOSTERONISM, PRIMARY, AND HYPERTENSION. Identifiers: Orphanet 642671, MedGen C4310756, MONDO:0014875, OMIM 617027.

gnomAD v4.1: 3 of 1,613,300 alleles (0.00019%); highest among the groups gnomAD compares: Admixed American, 0.005%; no homozygotes.

Submission:

Labcorp Genetics (formerly Invitae), Labcorp
Classification: Uncertain significance for Idiopathic generalized epilepsy; Hyperaldosteronism, familial, type IV. Last evaluated: 2023-09-17. Review status: criteria provided, single submitter. Criteria: Invitae Variant Classification Sherloc (09022015). Collection method: clinical testing. Allele origin: germline.
Comment: In summary, the available evidence is currently insufficient to determine the role of this variant in disease. Therefore, it has been classified as a Variant of Uncertain Significance. Advanced modeling of protein sequence and biophysical properties (such as structural, functional, and spatial information, amino acid conservation, physicochemical variation, residue mobility, and thermodynamic stability) performed at Invitae indicates that this missense variant is expected to disrupt CACNA1H protein function. This variant has not been reported in the literature in individuals affected with CACNA1H-related conditions. This variant is present in population databases (no rsID available, gnomAD 0.003%). This sequence change replaces leucine, which is neutral and non-polar, with valine, which is neutral and non-polar, at codon 1009 of the CACNA1H protein (p.Leu1009Val).

NM_021098.3(CACNA1H):c.3025C>G (p.Leu1009Val)

Gene: CACNA1H (calcium voltage-gated channel subunit alpha1 H; plus strand). Cytogenetic location: 16p13.3.
Variant type: single nucleotide variant.
Coding change: c.3025C>G on transcript NM_021098.3 (MANE Select); coding-DNA position 3025, C replaced by G.
Protein change: p.Leu1009Val; replaces leucine 1009 with valine.
Molecular consequence: missense variant.
Genome position (GRCh38, 1-based): chr16:1,207,392, C>G. VCF-style: chr16-1207392-C-G. GRCh37 (hg19) VCF-style: chr16-1257392-C-G.
Other names: c.3025C>G, p.Leu1009Val (NM_001005407.2); short protein forms L1009V.
Identifiers: ClinVar variation 2924132 (VCV002924132.3), dbSNP rs745927407, ClinGen allele CA394170475.
Genomic context (GRCh38, chr16:1,207,392, plus strand): 5'-TCCTGGGCCGCCCTCTACTTCGTGGCCCTCATGACCTTCGGCAACTATGTGCTCTTCAAC[C>G]TGCTGGTGGCCATCCTCGTGGAGGGCTTCCAGGCGGAGGTGAGGGGGCAGGGAGAGGGGC-3'
Protein context (NP_066921.2, residues 999-1019): MTFGNYVLFN[Leu1009Val]LVAILVEGFQ